The following is an entry in ClinVar:

ClinVar aggregate classification (germline): Pathogenic. Review status: criteria provided, single submitter (1 of 4 stars). 2 submissions from 2 submitters: Pathogenic (1). 1 of the submissions does not count toward it. Last evaluated 2024-02-23.

Conditions:
Bietti crystalline corneoretinal dystrophy (BCD). Also called: Bietti Crystalline Dystrophy; BIETTI TAPETORETINAL DEGENERATION WITH MARGINAL CORNEAL DYSTROPHY. Identifiers: Orphanet 41751, MedGen C1859486, MONDO:0008865, OMIM 210370.

Allele frequency attached by ClinVar (database versions not stated): gnomAD exomes below 0.00001; gnomAD 0.00001.
gnomAD v4.1: 3 of 1,614,048 alleles (0.00019%); highest among the groups gnomAD compares: East Asian, 0.0045%; no homozygotes.

Submissions (2):

Labcorp Genetics (formerly Invitae), Labcorp
Classification: Pathogenic. Last evaluated: 2024-02-23. Review status: criteria provided, single submitter. Criteria: Invitae Variant Classification Sherloc (09022015). Collection method: clinical testing. Allele origin: germline.
Comment: This sequence change replaces proline, which is neutral and non-polar, with leucine, which is neutral and non-polar, at codon 396 of the CYP4V2 protein (p.Pro396Leu). This variant is present in population databases (rs199476202, gnomAD 0.01%). This missense change has been observed in individual(s) with Bietti crystalline corneoretinal dystrophy (PMID: 17962476, 28051075; Invitae). In at least one individual the data is consistent with being in trans (on the opposite chromosome) from a pathogenic variant. ClinVar contains an entry for this variant (Variation ID: 39252). Advanced modeling of protein sequence and biophysical properties (such as structural, functional, and spatial information, amino acid conservation, physicochemical variation, residue mobility, and thermodynamic stability) performed at Invitae indicates that this missense variant is not expected to disrupt CYP4V2 protein function with a negative predictive value of 80%. For these reasons, this variant has been classified as Pathogenic.

GeneReviews
Classification: Pathogenic for Bietti Crystalline Dystrophy. Last evaluated: 2012-04-12. Review status: no assertion criteria provided. Collection method: curation. Allele origin: unknown. Not counted in ClinVar's aggregate classification.
ClinVar note: Converted during submission from pathologic to Pathogenic.

Literature cited by the submitters: PubMed 17962476 (cited by Labcorp Genetics (formerly Invitae), Labcorp); PubMed 28051075 (cited by Labcorp Genetics (formerly Invitae), Labcorp).

NM_207352.4(CYP4V2):c.1187C>T (p.Pro396Leu)

Gene: CYP4V2 (cytochrome P450 family 4 subfamily V member 2; plus strand). Cytogenetic location: 4q35.2.
Variant type: single nucleotide variant.
Coding change: c.1187C>T on transcript NM_207352.4 (MANE Select); coding-DNA position 1187, C replaced by T.
Protein change: p.Pro396Leu; replaces proline 396 with leucine.
Molecular consequence: missense variant.
Genome position (GRCh38, 1-based): chr4:186,208,961, C>T. VCF-style: chr4-186208961-C-T. GRCh37 (hg19) VCF-style: chr4-187130115-C-T.
Other names: c.1491C>T; short protein forms P396L.
Identifiers: ClinVar variation 39252 (VCV000039252.10), dbSNP rs199476202, ClinGen allele CA343710.